The following is an entry in ClinVar:

NM_001267727.2(ARSG):c.138G>A (p.Met46Ile)

Gene: ARSG (arylsulfatase G; plus strand). Cytogenetic location: 17q24.2.
Variant type: single nucleotide variant.
Coding change: c.138G>A on transcript NM_001267727.2 (MANE Select); coding-DNA position 138, G replaced by A.
Protein change: p.Met46Ile; replaces methionine 46 with isoleucine.
Molecular consequence: missense variant.
Genome position (GRCh38, 1-based): chr17:68,307,631, G>A. VCF-style: chr17-68307631-G-A. GRCh37 (hg19) VCF-style: chr17-66303772-G-A.
Other names: c.138G>A, p.Met46Ile (NM_001352899.2, NM_001352900.2, NM_001352901.2 and 9 more transcripts); c.138G>A (NM_014960.3); short protein forms M46I.
Identifiers: ClinVar variation 1378301 (VCV001378301.5), dbSNP rs1340794906, ClinGen allele CA400746212.

ClinVar aggregate classification (germline): Uncertain significance. Review status: criteria provided, multiple submitters, no conflicts (2 of 4 stars). 2 submissions from 2 submitters: Uncertain significance (2). Last evaluated 2024-04-19.

Allele frequency attached by ClinVar (database versions not stated): gnomAD exomes below 0.00001; gnomAD 0.00001; TOPMed 0.00002.
gnomAD v4.1: 6 of 1,613,064 alleles (0.00037%); highest among the groups gnomAD compares: African/African-American, 0.0067%; no homozygotes.

Submissions (2):

Ambry Genetics
Classification: Uncertain significance. Last evaluated: 2024-04-19. Review status: criteria provided, single submitter. Criteria: Ambry Variant Classification Scheme 2023. Collection method: clinical testing. Allele origin: germline.

Labcorp Genetics (formerly Invitae), Labcorp
Classification: Uncertain significance. Last evaluated: 2023-09-25. Review status: criteria provided, single submitter. Criteria: Invitae Variant Classification Sherloc (09022015). Collection method: clinical testing. Allele origin: germline.
Comment: ClinVar contains an entry for this variant (Variation ID: 1378301). Advanced modeling of protein sequence and biophysical properties (such as structural, functional, and spatial information, amino acid conservation, physicochemical variation, residue mobility, and thermodynamic stability) performed at Invitae indicates that this missense variant is not expected to disrupt ARSG protein function. In summary, the available evidence is currently insufficient to determine the role of this variant in disease. Therefore, it has been classified as a Variant of Uncertain Significance. This variant has not been reported in the literature in individuals affected with ARSG-related conditions. This variant is present in population databases (no rsID available, gnomAD 0.01%). This sequence change replaces methionine, which is neutral and non-polar, with isoleucine, which is neutral and non-polar, at codon 46 of the ARSG protein (p.Met46Ile).